The following is an entry in ClinVar:

ClinVar aggregate classification (germline): Uncertain significance (1 of 4 stars; one submission).

Allele frequency attached by ClinVar (database versions not stated): gnomAD exomes below 0.00001; ExAC 0.00001.
gnomAD v4.1: 2 of 1,611,284 alleles (0.00012%); highest among the groups gnomAD compares: Middle Eastern, 0.017%; no homozygotes.

Submission:

Labcorp Genetics (formerly Invitae), Labcorp
Classification: Uncertain significance. Last evaluated: 2024-11-05. Review status: criteria provided, single submitter. Criteria: Invitae Variant Classification Sherloc (09022015). Collection method: clinical testing. Allele origin: germline.
Comment: This sequence change replaces proline, which is neutral and non-polar, with serine, which is neutral and polar, at codon 893 of the PCARE protein (p.Pro893Ser). This variant is present in population databases (rs753697664, gnomAD 0.0009%). This variant has not been reported in the literature in individuals affected with PCARE-related conditions. ClinVar contains an entry for this variant (Variation ID: 1382253). An algorithm developed to predict the effect of missense changes on protein structure and function (PolyPhen-2) suggests that this variant is likely to be disruptive. In summary, the available evidence is currently insufficient to determine the role of this variant in disease. Therefore, it has been classified as a Variant of Uncertain Significance.

NM_001029883.3(PCARE):c.2677C>T (p.Pro893Ser)

Gene: PCARE (photoreceptor cilium actin regulator; minus strand). Cytogenetic location: 2p23.2.
Variant type: single nucleotide variant.
Coding change: c.2677C>T on transcript NM_001029883.3 (MANE Select); coding-DNA position 2677, C replaced by T.
Protein change: p.Pro893Ser; replaces proline 893 with serine.
Molecular consequence: missense variant.
Genome position (GRCh38, 1-based): chr2:29,071,585, G>A on the plus strand (C>T on the coding strand, the complement: PCARE is on the minus strand). VCF-style: chr2-29071585-G-A. GRCh37 (hg19) VCF-style: chr2-29294451-G-A.
Other names: short protein forms P893S.
Identifiers: ClinVar variation 1382253 (VCV001382253.8), dbSNP rs753697664, ClinGen allele CA1592147.
Genomic context (GRCh38, chr2:29,071,585, plus strand): 5'-TCCTGCCACTCCCTGGCCCTGTGCTGTGAGGCTTGGTCAGGCTGGCGGTGCTCTTGCTGG[G>A]CAGCAAGTCCAGGGGGCTCACAGAGGCCCTCAGCTTTGGGGAAGCCCATGTTCTCCTGGT-3'
Protein context (NP_001025054.1, residues 883-903): RASVSPLDLL[Pro893Ser]SKSTASLTKP